The following is an entry in ClinVar:

ClinVar aggregate classification (germline): Pathogenic/Likely pathogenic. Review status: criteria provided, multiple submitters, no conflicts (2 of 4 stars). 3 submissions from 3 submitters: Pathogenic (1); Likely pathogenic (2). Last evaluated 2026-08-31.

Conditions:
Cone-rod dystrophy 3 (CORD3). Identifiers: Orphanet 1872, MedGen C1858806, MONDO:0011395, OMIM 604116.
ABCA4-related disorder. Also called: ABCA4-related condition; ABCA4-related disorders. Identifiers: MedGen CN239167.

Allele frequency attached by ClinVar (database versions not stated): gnomAD exomes 0.00001; ExAC 0.00002.
gnomAD v4.1: 4 of 1,614,196 alleles (0.00025%); highest among the groups gnomAD compares: Non-Finnish European, 0.00034%; no homozygotes.

Submissions (3):

MVZ Martinsried, Medicover Genetics
Classification: Likely pathogenic for Cone-rod dystrophy 3. Last evaluated: 2026-08-31. Review status: criteria provided, single submitter. Criteria: ClinGen Variant Curation SOP V3.2 + Classification Guidance July2025. Collection method: clinical testing. Allele origin: unknown. Affected: yes. Observed: 1 compound heterozygote.

Labcorp Genetics (formerly Invitae), Labcorp
Classification: Pathogenic. Last evaluated: 2024-07-02. Review status: criteria provided, single submitter. Criteria: Invitae Variant Classification Sherloc (09022015). Collection method: clinical testing. Allele origin: germline.
Comment: This sequence change replaces serine, which is neutral and polar, with proline, which is neutral and non-polar, at codon 1071 of the ABCA4 protein (p.Ser1071Pro). This variant is present in population databases (rs781332563, gnomAD 0.002%). This missense change has been observed in individual(s) with clinical features of Stargardt disease (Invitae). In at least one individual the data is consistent with being in trans (on the opposite chromosome) from a pathogenic variant. ClinVar contains an entry for this variant (Variation ID: 1519284). Advanced modeling of protein sequence and biophysical properties (such as structural, functional, and spatial information, amino acid conservation, physicochemical variation, residue mobility, and thermodynamic stability) performed at Invitae indicates that this missense variant is expected to disrupt ABCA4 protein function with a positive predictive value of 95%. This variant disrupts the p.Ser1071 amino acid residue in ABCA4. Other variant(s) that disrupt this residue have been determined to be pathogenic (PMID: 9973280, 15192030, 26720470, 29555955; Invitae). This suggests that this residue is clinically significant, and that variants that disrupt this residue are likely to be disease-causing. For these reasons, this variant has been classified as Pathogenic.

Blueprint Genetics
Classification: Likely pathogenic for ABCA4-related disorders. Last evaluated: 2022-09-05. Review status: criteria provided, single submitter. Criteria: ACMG Guidelines, 2015. Collection method: clinical testing. Allele origin: germline. Affected: yes. Observed: 5 variant alleles.

Literature cited by the submitters: PubMed 9973280 (cited by Labcorp Genetics (formerly Invitae), Labcorp); PubMed 15192030 (cited by Labcorp Genetics (formerly Invitae), Labcorp); PubMed 26720470 (cited by Labcorp Genetics (formerly Invitae), Labcorp); PubMed 29555955 (cited by Labcorp Genetics (formerly Invitae), Labcorp).

NM_000350.3(ABCA4):c.3211T>C (p.Ser1071Pro)

Gene: ABCA4 (ATP binding cassette subfamily A member 4; minus strand). Cytogenetic location: 1p22.1.
Variant type: single nucleotide variant.
Coding change: c.3211T>C on transcript NM_000350.3 (MANE Select); coding-DNA position 3211, T replaced by C.
Protein change: p.Ser1071Pro; replaces serine 1071 with proline.
Molecular consequence: missense variant.
Genome position (GRCh38, 1-based): chr1:94,042,878, A>G on the plus strand (T>C on the coding strand, the complement: ABCA4 is on the minus strand). VCF-style: chr1-94042878-A-G. GRCh37 (hg19) VCF-style: chr1-94508434-A-G.
Other names: c.2989T>C, p.Ser997Pro (NM_001425324.1); short protein forms S1071P, S997P.
Identifiers: ClinVar variation 1519284 (VCV001519284.8), dbSNP rs781332563, ClinGen allele CA958006.